The following is an entry in ClinVar:

ClinVar aggregate classification (germline): Uncertain significance. Review status: criteria provided, multiple submitters, no conflicts (2 of 4 stars). 2 submissions from 2 submitters: Uncertain significance (2). Last evaluated 2026-02-16.

Conditions:
Inborn genetic diseases. Identifiers: MedGen C0950123, MeSH D030342.
Immunodeficiency, common variable, 10. Also called: DEFICIT IN ANTERIOR PITUITARY FUNCTION AND VARIABLE IMMUNODEFICIENCY; IMMUNODEFICIENCY, COMMON VARIABLE, WITH CENTRAL ADRENAL INSUFFICIENCY. Identifiers: MedGen C3809991, MONDO:0014260, OMIM 615577.

Allele frequency attached by ClinVar (database versions not stated): gnomAD exomes below 0.00001.

Submissions (2):

Ambry Genetics
Classification: Uncertain significance for Inborn genetic diseases. Last evaluated: 2026-02-16. Review status: criteria provided, single submitter. Criteria: Ambry Variant Classification Scheme 2023. Collection method: clinical testing. Allele origin: germline.

Labcorp Genetics (formerly Invitae), Labcorp
Classification: Uncertain significance for Immunodeficiency, common variable, 10. Last evaluated: 2021-02-22. Review status: criteria provided, single submitter. Criteria: Invitae Variant Classification Sherloc (09022015). Collection method: clinical testing. Allele origin: germline.
Comment: In summary, the available evidence is currently insufficient to determine the role of this variant in disease. Therefore, it has been classified as a Variant of Uncertain Significance. Algorithms developed to predict the effect of missense changes on protein structure and function (SIFT, PolyPhen-2, Align-GVGD) all suggest that this variant is likely to be tolerated, but these predictions have not been confirmed by published functional studies and their clinical significance is uncertain. This variant has not been reported in the literature in individuals with NFKB2-related conditions. This variant is not present in population databases (ExAC no frequency). This sequence change replaces methionine with isoleucine at codon 146 of the NFKB2 protein (p.Met146Ile). The methionine residue is moderately conserved and there is a small physicochemical difference between methionine and isoleucine.

NM_001322934.2(NFKB2):c.438G>A (p.Met146Ile)

Gene: NFKB2 (nuclear factor kappa B subunit 2; plus strand). Cytogenetic location: 10q24.32.
Variant type: single nucleotide variant.
Coding change: c.438G>A on transcript NM_001322934.2 (MANE Select); coding-DNA position 438, G replaced by A.
Protein change: p.Met146Ile; replaces methionine 146 with isoleucine.
Molecular consequence: missense variant.
Genome position (GRCh38, 1-based): chr10:102,397,344, G>A. VCF-style: chr10-102397344-G-A. GRCh37 (hg19) VCF-style: chr10-104157101-G-A.
Other names: c.438G>A, p.Met146Ile (NM_001077494.3, NM_001261403.3, NM_001288724.1 and 2 more transcripts); c.438G>A (NM_001077494.1); short protein forms M146I.
Identifiers: ClinVar variation 1000962 (VCV001000962.9), dbSNP rs377480135, ClinGen allele CA377896703.